The following is an entry in ClinVar:

NM_000228.3(LAMB3):c.385del (p.Ala129fs)

Gene: LAMB3 (laminin subunit beta 3; minus strand). Cytogenetic location: 1q32.2.
Variant type: Deletion.
Coding change: c.385del on transcript NM_000228.3 (MANE Select); coding-DNA position 385, one base deleted (G; older notation c.385delG).
Protein change: p.Ala129fs; shifts the reading frame from alanine 129.
Molecular consequence: frameshift variant.
Genome position (GRCh38, 1-based): chr1:209,634,626, C deleted on the plus strand (G on the coding strand, the reverse complement: LAMB3 is on the minus strand). VCF-style (leftmost placement, unchanged base first): chr1-209634625-GC-G. GRCh37 (hg19) VCF-style: chr1-209807970-GC-G.
Other names: c.385del, p.Ala129fs (NM_001017402.2, NM_001127641.1); short protein forms A129fs.
Identifiers: ClinVar variation 1725755 (VCV001725755.3), dbSNP rs2464880702, ClinGen allele CA2580061979.

ClinVar aggregate classification (germline): Likely pathogenic (1 of 4 stars; one submission).

Conditions:
Junctional epidermolysis bullosa. Identifiers: Orphanet 305, MedGen C0079301, MONDO:0017612.

Submission:

Myriad Genetics, Inc.
Classification: Likely pathogenic for Junctional epidermolysis bullosa. Last evaluated: 2021-12-07. Review status: criteria provided, single submitter. Criteria: Myriad Autosomal Dominant, Autosomal Recessive and X-Linked Classification Criteria (2023). Collection method: clinical testing. Allele origin: unknown.
Comment: NM_000228.2(LAMB3):c.385delG(A129Pfs*4) is expected to be pathogenic in the context of junctional epidermolysis bullosa, LAMB3-related. This variant is predicted to lead to an abnormal or absent protein product due to the creation of a premature termination codon in LAMB3, a gene where loss-of-function variants are known to be pathogenic. Please note: this variant was assessed in the context of healthy population screening.